The following is an entry in ClinVar:

ClinVar aggregate classification (germline): Pathogenic. Review status: criteria provided, multiple submitters, no conflicts (2 of 4 stars). 2 submissions from 2 submitters: Pathogenic (2). Last evaluated 2024-11-14.

Conditions:
Malignant migrating partial seizures of infancy. Identifiers: Orphanet 293181, MedGen CN262433, MONDO:0017385.

Submissions (2):

GeneDx
Classification: Pathogenic. Last evaluated: 2024-11-14. Review status: criteria provided, single submitter. Criteria: GeneDx Variant Classification Process June 2021. Collection method: clinical testing. Allele origin: germline. Affected: yes.
Comment: Not observed at significant frequency in large population cohorts (gnomAD); In silico analysis supports that this missense variant has a deleterious effect on protein structure/function; This substitution is predicted to be within the intracellular loop between the S4 and S5 transmembrane segments of the third homologous domain; This variant is associated with the following publications: (PMID: 32090326, 37429183, 31175295, 27864847, 23935176)

Neurogenetics Laboratory - MEYER, AOU Meyer
Classification: Pathogenic. Last evaluated: 2016-11-16. Review status: criteria provided, single submitter. Criteria: ACMG Guidelines, 2015. Collection method: clinical testing. Allele origin: de novo. Affected: yes. Observed: 1 heterozygote.

NM_001040142.2(SCN2A):c.3967A>G (p.Met1323Val)

Gene: SCN2A (sodium voltage-gated channel alpha subunit 2; plus strand). Cytogenetic location: 2q24.3.
Variant type: single nucleotide variant.
Coding change: c.3967A>G on transcript NM_001040142.2 (MANE Select); coding-DNA position 3967, A replaced by G.
Protein change: p.Met1323Val; replaces methionine 1323 with valine.
Molecular consequence: missense variant.
Genome position (GRCh38, 1-based): chr2:165,373,342, A>G. VCF-style: chr2-165373342-A-G. GRCh37 (hg19) VCF-style: chr2-166229852-A-G.
Other names: c.3967A>G, p.Met1323Val (NM_001040143.2, NM_001371246.1, NM_001371247.1 and 1 more transcripts); short protein forms M1323V.
Identifiers: ClinVar variation 375505 (VCV000375505.2), dbSNP rs1057519523, ClinGen allele CA16044308.